The following is an entry in ClinVar:

NM_020207.7(ERCC6L2):c.2201A>G (p.Gln734Arg)

Gene: ERCC6L2 (ERCC excision repair 6 like 2; plus strand). Cytogenetic location: 9q22.32.
Variant type: single nucleotide variant.
Coding change: c.2201A>G on transcript NM_020207.7 (MANE Select); coding-DNA position 2201, A replaced by G.
Protein change: p.Gln734Arg; replaces glutamine 734 with arginine.
Molecular consequence: missense variant. On other transcripts: non-coding transcript variant (1).
Genome position (GRCh38, 1-based): chr9:95,971,952, A>G. VCF-style: chr9-95971952-A-G. GRCh37 (hg19) VCF-style: chr9-98734234-A-G.
Other names: c.2201A>G, p.Gln734Arg (NM_001375291.1, NM_001375292.1, NM_001375293.1 and 1 more transcripts); short protein forms Q734R.
Identifiers: ClinVar variation 1508245 (VCV001508245.4), dbSNP rs1479405527, ClinGen allele CA589285257.

ClinVar aggregate classification (germline): Uncertain significance (1 of 4 stars; one submission).

Allele frequency attached by ClinVar (database versions not stated): gnomAD 0.00001; gnomAD exomes 0.00001 and 0.00003; TOPMed 0.00001.

Submission:

Labcorp Genetics (formerly Invitae), Labcorp
Classification: Uncertain significance. Last evaluated: 2022-06-13. Review status: criteria provided, single submitter. Criteria: Invitae Variant Classification Sherloc (09022015). Collection method: clinical testing. Allele origin: germline.
Comment: In summary, the available evidence is currently insufficient to determine the role of this variant in disease. Therefore, it has been classified as a Variant of Uncertain Significance. Algorithms developed to predict the effect of missense changes on protein structure and function are either unavailable or do not agree on the potential impact of this missense change (SIFT: "Tolerated"; PolyPhen-2: "Not Available"; Align-GVGD: "Class C0"). This variant has not been reported in the literature in individuals affected with ERCC6L2-related conditions. This variant is not present in population databases (gnomAD no frequency). This sequence change replaces glutamine, which is neutral and polar, with arginine, which is basic and polar, at codon 745 of the ERCC6L2 protein (p.Gln745Arg).